The following is an entry in ClinVar:

NM_001159699.2(FHL1):c.146_155del (p.Asp49fs)

Gene: FHL1 (four and a half LIM domains 1; plus strand). Cytogenetic location: Xq26.3.
Variant type: Deletion.
Coding change: c.146_155del on transcript NM_001159699.2 (MANE Select); coding-DNA positions 146 to 155, 10 bases deleted (ACAAGTTCTG; older notation c.146_155delACAAGTTCTG).
Protein change: p.Asp49fs; shifts the reading frame from aspartic acid 49.
Molecular consequence: frameshift variant. On other transcripts: non-coding transcript variant (1).
Genome position (GRCh38, 1-based): chrX:136,206,530-136,206,539, ACAAGTTCTG deleted; deleting any 10 consecutive bases within chrX:136,206,528-136,206,539 gives the same sequence; the c. name uses the placement nearest the transcript's 3' end. VCF-style (leftmost placement, unchanged base first): chrX-136206527-TTGACAAGTTC-T. GRCh37 (hg19) VCF-style: chrX-135288686-TTGACAAGTTC-T.
Other names: c.98_107del, p.Asp33fs (NM_001159700.2, NM_001159702.3, NM_001159703.2 and 9 more transcripts); c.185_194del, p.Asp62fs (NM_001159701.2); c.146_155del, p.Asp49fs (NM_001330659.2); short protein forms D49fs, D62fs, D33fs.
Identifiers: ClinVar variation 3278821 (VCV003278821.1).

ClinVar aggregate classification (germline): Likely pathogenic (1 of 4 stars; one submission).

Conditions:
Cardiovascular phenotype. Identifiers: MedGen CN230736.

Submission:

Ambry Genetics
Classification: Likely pathogenic for Cardiovascular phenotype. Last evaluated: 2024-05-23. Review status: criteria provided, single submitter. Criteria: Ambry Variant Classification Scheme 2023. Collection method: clinical testing. Allele origin: germline.
Comment: The c.98_107del10 variant, located in coding exon 1 of the FHL1 gene, results from a deletion of 10 nucleotides at nucleotide positions 98 to 107, causing a translational frameshift with a predicted alternate stop codon (p.D33Vfs*116). The predicted stop codon occurs in the 5&rsquo; end of theFHL1 gene. Premature termination codons in the 5&rsquo; end of a gene have been reported to escape nonsense-mediated mRNAdecay and/or lead to re-initiation (Rivas et al. Science. 2015 May 8;348(6235):666-9; Lindeboom et al. Nat Genet. 2016 Oct;48(10):1112-8; Rhee et al. Sci Rep. 2017 May 10;7(1):1653). Direct evidence for this alteration is unavailable, however premature termination codons are typically deleterious in nature. This variant is considered to be rare based on population cohorts in the Genome Aggregation Database (gnomAD).Based on the supporting evidence, this variant is likely pathogenic for FHL1-related myopathy with hypertrophy; however, the association of this alteration with reducing body myopathy is unknown.